The following is an entry in ClinVar:

ClinVar aggregate classification (germline): Uncertain significance (1 of 4 stars; one submission).

Submission:

GeneDx
Classification: Uncertain significance. Last evaluated: 2023-10-31. Review status: criteria provided, single submitter. Criteria: GeneDx Variant Classification Process June 2021. Collection method: clinical testing. Allele origin: germline. Affected: yes.
Comment: Not observed at significant frequency in large population cohorts (gnomAD); In silico analysis supports that this missense variant has a deleterious effect on protein structure/function; Has not been previously published as pathogenic or benign to our knowledge

NM_177402.5(SYT2):c.935T>C (p.Ile312Thr)

Gene: SYT2 (synaptotagmin 2; minus strand). Cytogenetic location: 1q32.1.
Variant type: single nucleotide variant.
Coding change: c.935T>C on transcript NM_177402.5 (MANE Select); coding-DNA position 935, T replaced by C.
Protein change: p.Ile312Thr; replaces isoleucine 312 with threonine.
Molecular consequence: missense variant.
Genome position (GRCh38, 1-based): chr1:202,599,336, A>G on the plus strand (T>C on the coding strand, the complement: SYT2 is on the minus strand). VCF-style: chr1-202599336-A-G. GRCh37 (hg19) VCF-style: chr1-202568464-A-G.
Other names: c.935T>C, p.Ile312Thr (NM_001136504.1); short protein forms I312T.
Identifiers: ClinVar variation 3363319 (VCV003363319.1).
Genomic context (GRCh38, chr1:202,599,336, plus strand): 5'-GTCTTCTTCTTCACGGTTGTCTTCTTCTTCTTGAGCCTCTTGCCATTCTGCATCAGGTGG[A>G]TCTTCACGTACGGGTCTGCGGAGGGAGAATCCCAACCCCAGAGAGGTTCCCCTTAGCCCC-3'
Protein context (NP_796376.2, residues 302-322): VGGLSDPYVK[Ile312Thr]HLMQNGKRLK